The following is an entry in ClinVar:

ClinVar aggregate classification (germline): Likely benign. Review status: criteria provided, multiple submitters, no conflicts (2 of 4 stars). 3 submissions from 3 submitters: Likely benign (3). Last evaluated 2025-12-24.

Conditions:
Cardiovascular phenotype. Identifiers: MedGen CN230736.
Arrhythmogenic cardiomyopathy with wooly hair and keratoderma. Also called: Dilated cardiomyopathy with woolly hair and keratoderma; Arrhythmogenic cardiomyopathy with woolly hair and keratoderma; PALMOPLANTAR KERATODERMA WITH LEFT VENTRICULAR CARDIOMYOPATHY AND WOOLLY HAIR; Carvajal syndrome. Identifiers: Orphanet 65282, MedGen C1854063, MONDO:0011581, OMIM 605676.
Arrhythmogenic right ventricular dysplasia 8 (ARVD8). Also called: Arrhythmogenic Right Ventricular Dysplasia/Cardiomyopathy 8; ARRHYTHMOGENIC RIGHT VENTRICULAR DYSPLASIA, FAMILIAL, 8; ARRHYTHMOGENIC RIGHT VENTRICULAR CARDIOMYOPATHY 8. Identifiers: MedGen C1843896, MONDO:0011831, OMIM 607450.

gnomAD v4.1: 2 of 1,613,388 alleles (0.00012%); highest among the groups gnomAD compares: Middle Eastern, 0.016%; no homozygotes.

Submissions (3):

Labcorp Genetics (formerly Invitae), Labcorp
Classification: Likely benign for Arrhythmogenic cardiomyopathy with wooly hair and keratoderma; Arrhythmogenic right ventricular dysplasia 8. Last evaluated: 2025-12-24. Review status: criteria provided, single submitter. Criteria: Invitae Variant Classification Sherloc (09022015). Collection method: clinical testing. Allele origin: germline.

Ambry Genetics
Classification: Likely benign for Cardiovascular phenotype. Last evaluated: 2025-08-28. Review status: criteria provided, single submitter. Criteria: Ambry Variant Classification Scheme 2023. Collection method: clinical testing. Allele origin: germline.

Laboratory for Molecular Medicine, Mass General Brigham Personalized Medicine
Classification: Likely benign. Last evaluated: 2012-11-30. Review status: criteria provided, single submitter. Criteria: LMM Criteria. Collection method: clinical testing. Allele origin: germline. Observed: 1 variant allele.
Comment: Thr1415Thr in exon 23 of DSP: This variant is not expected to have clinical sign ificance because it does not alter an amino acid residue and is not located with in the splice consensus sequence. Thr1415Thr in exon 23 of DSP (allele frequenc y = n/a)

NM_004415.4(DSP):c.4245T>A (p.Thr1415=)

Gene: DSP (desmoplakin; plus strand). Cytogenetic location: 6p24.3.
Variant type: single nucleotide variant.
Coding change: c.4245T>A on transcript NM_004415.4 (MANE Select); coding-DNA position 4245, T replaced by A.
Protein change: p.Thr1415=; no amino-acid change (threonine 1415 retained).
Molecular consequence: synonymous variant. On other transcripts: intron variant (2).
Genome position (GRCh38, 1-based): chr6:7,580,435, T>A. VCF-style: chr6-7580435-T-A. GRCh37 (hg19) VCF-style: chr6-7580668-T-A.
Other names: c.4050+195T>A (NM_001319034.2); c.3582+663T>A (NM_001008844.3).
Identifiers: ClinVar variation 44903 (VCV000044903.13), dbSNP rs397516936, ClinGen allele CA004424.